The following is an entry in ClinVar:

ClinVar aggregate classification (germline): Benign (1 of 4 stars; one submission).

Conditions:
Rhabdoid tumor predisposition syndrome 2 (RTPS2). Identifiers: Orphanet 231108, Orphanet 69077, MedGen C2750074, MONDO:0013224, OMIM 613325.

Submission:

Myriad Genetics, Inc.
Classification: Benign for Rhabdoid tumor predisposition syndrome 2. Last evaluated: 2026-07-27. Review status: criteria provided, single submitter. Criteria: Myriad Autosomal Dominant, Autosomal Recessive and X-Linked Classification Criteria (2023). Collection method: clinical testing. Allele origin: unknown.
Comment: This variant is considered benign. This variant is a silent/synonymous amino acid change and it is not expected to impact splicing.

NM_003072.5(SMARCA4):c.4836C>G (p.Gly1612=)

Gene: SMARCA4 (SWI/SNF related BAF chromatin remodeling complex subunit ATPase 4; plus strand). Cytogenetic location: 19p13.2.
Variant type: single nucleotide variant.
Coding change: c.4836C>G on transcript NM_003072.5 (MANE Select); coding-DNA position 4836, C replaced by G.
Protein change: p.Gly1612=; no amino-acid change (glycine 1612 retained).
Molecular consequence: synonymous variant. On other transcripts: non-coding transcript variant (1).
Genome position (GRCh38, 1-based): chr19:11,060,112, C>G. VCF-style: chr19-11060112-C-G. GRCh37 (hg19) VCF-style: chr19-11170788-C-G.
Other names: c.4836C>G, p.Gly1612= (NM_001128844.3); c.4746C>G, p.Gly1582= (NM_001128845.2); c.4743C>G, p.Gly1581= (NM_001128846.2); c.4737C>G, p.Gly1579= (NM_001128847.4, NM_001374457.1); c.4734C>G, p.Gly1578= (NM_001128848.2); c.4932C>G, p.Gly1644= (NM_001128849.3, NM_001387283.1); c.4833C>G, p.Gly1611= (NM_001411150.1).
Identifiers: ClinVar variation 5042174 (VCV005042174.1).